The following is an entry in ClinVar:

ClinVar aggregate classification (germline): Uncertain significance. Review status: criteria provided, multiple submitters, no conflicts (2 of 4 stars). 3 submissions from 3 submitters: Uncertain significance (3). Last evaluated 2025-07-15.

Conditions:
Hereditary cancer-predisposing syndrome. Also called: Neoplastic Syndromes, Hereditary; Hereditary neoplastic syndrome; Hereditary Cancer Syndrome; Tumor predisposition. Identifiers: Orphanet 140162, MedGen C0027672, MeSH D009386, MONDO:0015356.
Familial cancer of breast. Also called: BREAST CANCER, FAMILIAL; hereditary breast carcinoma; Hereditary breast cancer. Identifiers: Orphanet 227535, MedGen C0346153, MONDO:0016419, OMIM 114480. Disease mechanism: loss of function.

Submissions (3):

Labcorp Genetics (formerly Invitae), Labcorp
Classification: Uncertain significance for Familial cancer of breast. Last evaluated: 2025-07-15. Review status: criteria provided, single submitter. Criteria: Invitae Variant Classification Sherloc (09022015). Collection method: clinical testing. Allele origin: germline.
Comment: This sequence change replaces isoleucine, which is neutral and non-polar, with phenylalanine, which is neutral and non-polar, at codon 286 of the CHEK2 protein (p.Ile286Phe). This variant is not present in population databases (gnomAD no frequency). This variant has not been reported in the literature in individuals affected with CHEK2-related conditions. ClinVar contains an entry for this variant (Variation ID: 449790). An algorithm developed to predict the effect of missense changes on protein structure and function (PolyPhen-2) suggests that this variant is likely to be disruptive. In summary, the available evidence is currently insufficient to determine the role of this variant in disease. Therefore, it has been classified as a Variant of Uncertain Significance.

Ambry Genetics
Classification: Uncertain significance for Hereditary cancer-predisposing syndrome. Last evaluated: 2025-03-29. Review status: criteria provided, single submitter. Criteria: Ambry Variant Classification Scheme 2023. Collection method: clinical testing. Allele origin: germline.
Comment: The p.I286F variant (also known as c.856A>T), located in coding exon 7 of the CHEK2 gene, results from an A to T substitution at nucleotide position 856. The isoleucine at codon 286 is replaced by phenylalanine, an amino acid with highly similar properties. This amino acid position is conserved. In addition, this alteration is predicted to be deleterious by in silico analysis. Based on the available evidence, the clinical significance of this variant remains unclear.

GeneDx
Classification: Uncertain significance. Last evaluated: 2017-03-15. Review status: criteria provided, single submitter. Criteria: GeneDx Variant Classification (06012015). Collection method: clinical testing. Allele origin: germline. Affected: yes.
Comment: This variant is denoted CHEK2 c.856A>T at the cDNA level, p.Ile286Phe (I286F) at the protein level, and results in the change of an Isoleucine to a Phenylalanine (ATC>TTC). This variant has not, to our knowledge, been published in the literature as pathogenic or benign. CHEK2 Ile286Phe was not observed in large population cohorts (NHLBI Exome Sequencing Project, The 1000 Genomes Consortium 2015, Lek 2016). Since Isoleucine and Phenylalanine share similar properties, this is considered a conservative amino acid substitution. CHEK2 Ile286Phe occurs at a position that is conserved across species and is located within the protein kinase domain (Desrichard 2011, Roeb 2012). In silico analyses predict that this variant is probably damaging to protein structure and function. Based on currently available evidence, it is unclear whether CHEK2 Ile286Phe is a pathogenic or benign variant. We consider it to be a variant of uncertain significance.

NM_007194.4(CHEK2):c.856A>T (p.Ile286Phe)

Gene: CHEK2 (checkpoint kinase 2; minus strand). Cytogenetic location: 22q12.1.
Variant type: single nucleotide variant.
Coding change: c.856A>T on transcript NM_007194.4 (MANE Select); coding-DNA position 856, A replaced by T.
Protein change: p.Ile286Phe; replaces isoleucine 286 with phenylalanine.
Molecular consequence: missense variant.
Genome position (GRCh38, 1-based): chr22:28,703,557, T>A on the plus strand (A>T on the coding strand, the complement: CHEK2 is on the minus strand). VCF-style: chr22-28703557-T-A. GRCh37 (hg19) VCF-style: chr22-29099545-T-A.
Other names: c.985A>T, p.Ile329Phe (NM_001005735.3); c.193A>T, p.Ile65Phe (NM_001257387.3); c.655A>T, p.Ile219Phe (NM_001349956.3); c.856A>T, p.Ile286Phe (NM_145862.3); short protein forms I286F, I65F, I219F, I329F.
Identifiers: ClinVar variation 449790 (VCV000449790.12), dbSNP rs986132746, ClinGen allele CA411101307.